The following is an entry in ClinVar:

NM_001142800.2(EYS):c.7583del (p.Asp2528fs)

Gene: EYS (EGF-like photoreceptor maintenance factor; minus strand). Cytogenetic location: 6q12.
Variant type: Deletion.
Coding change: c.7583del on transcript NM_001142800.2 (MANE Select); coding-DNA position 7583, one base deleted (A; older notation c.7583delA).
Protein change: p.Asp2528fs; shifts the reading frame from aspartic acid 2528.
Molecular consequence: frameshift variant.
Genome position (GRCh38, 1-based): chr6:63,788,245, T deleted on the plus strand (A on the coding strand, the reverse complement: EYS is on the minus strand). VCF-style (leftmost placement, unchanged base first): chr6-63788244-AT-A. GRCh37 (hg19) VCF-style: chr6-64498137-AT-A.
Other names: c.7583del, p.Asp2528fs (NM_001292009.2); short protein forms D2528fs.
Identifiers: ClinVar variation 2867750 (VCV002867750.4), dbSNP rs2533540142, ClinGen allele CA2739273205.

ClinVar aggregate classification (germline): Pathogenic/Likely pathogenic. Review status: criteria provided, multiple submitters, no conflicts (2 of 4 stars). 2 submissions from 2 submitters: Pathogenic (1); Likely pathogenic (1). Last evaluated 2023-12-27.

Conditions:
Retinitis pigmentosa 25 (RP25). Identifiers: Orphanet 791, MedGen C1864446, MONDO:0011272, OMIM 602772.

Submissions (2):

Baylor Genetics
Classification: Likely pathogenic for Retinitis pigmentosa 25. Last evaluated: 2023-12-27. Review status: criteria provided, single submitter. Criteria: ACMG Guidelines, 2015. Collection method: clinical testing. Allele origin: unknown.

Labcorp Genetics (formerly Invitae), Labcorp
Classification: Pathogenic. Last evaluated: 2023-10-15. Review status: criteria provided, single submitter. Criteria: Invitae Variant Classification Sherloc (09022015). Collection method: clinical testing. Allele origin: germline.
Comment: This sequence change creates a premature translational stop signal (p.Asp2528Valfs*25) in the EYS gene. It is expected to result in an absent or disrupted protein product. Loss-of-function variants in EYS are known to be pathogenic (PMID: 18836446, 20333770). This variant is not present in population databases (gnomAD no frequency). This variant has not been reported in the literature in individuals affected with EYS-related conditions. Algorithms developed to predict the effect of sequence changes on RNA splicing suggest that this variant may disrupt the consensus splice site. For these reasons, this variant has been classified as Pathogenic.

Literature cited by the submitters: PubMed 18836446 (cited by Labcorp Genetics (formerly Invitae), Labcorp); PubMed 20333770 (cited by Labcorp Genetics (formerly Invitae), Labcorp).